The following is an entry in ClinVar:

ClinVar aggregate classification (germline): Uncertain significance (1 of 4 stars; one submission).

Conditions:
Alstrom syndrome (ALMS). Identifiers: Orphanet 64, MedGen C0268425, MONDO:0008763, OMIM 203800.

Submission:

Labcorp Genetics (formerly Invitae), Labcorp
Classification: Uncertain significance for Alstrom syndrome. Last evaluated: 2023-05-02. Review status: criteria provided, single submitter. Criteria: Invitae Variant Classification Sherloc (09022015). Collection method: clinical testing. Allele origin: germline.
Comment: In summary, the available evidence is currently insufficient to determine the role of this variant in disease. Therefore, it has been classified as a Variant of Uncertain Significance. Experimental studies and prediction algorithms are not available or were not evaluated, and the functional significance of this variant is currently unknown. This variant has not been reported in the literature in individuals affected with ALMS1-related conditions. This variant is not present in population databases (gnomAD no frequency). This sequence change replaces proline, which is neutral and non-polar, with threonine, which is neutral and polar, at codon 638 of the ALMS1 protein (p.Pro638Thr).

NM_001378454.1(ALMS1):c.1909C>A (p.Pro637Thr)

Gene: ALMS1 (ALMS1 centrosome and basal body associated protein; plus strand). Cytogenetic location: 2p13.1.
Variant type: single nucleotide variant.
Coding change: c.1909C>A on transcript NM_001378454.1 (MANE Select); coding-DNA position 1909, C replaced by A.
Protein change: p.Pro637Thr; replaces proline 637 with threonine.
Molecular consequence: missense variant.
Genome position (GRCh38, 1-based): chr2:73,448,436, C>A. VCF-style: chr2-73448436-C-A. GRCh37 (hg19) VCF-style: chr2-73675563-C-A.
Other names: c.1912C>A, p.Pro638Thr (NM_015120.4); short protein forms P638T, P637T.
Identifiers: ClinVar variation 2861676 (VCV002861676.1), dbSNP rs2103772730, ClinGen allele CA347265766.